The following is an entry in ClinVar:

ClinVar aggregate classification (germline): Uncertain significance (1 of 4 stars; one submission).

Conditions:
MYO3A-related disorder. Also called: MYO3A-related condition.

Submission:

PreventionGenetics, part of Exact Sciences
Classification: Uncertain significance for MYO3A-related condition. Last evaluated: 2025-08-30. Review status: criteria provided, single submitter. Criteria: ACMG Guidelines, 2015. Collection method: clinical testing. Allele origin: germline.
Comment: The MYO3A c.1366A>G variant is predicted to result in the amino acid substitution p.Asn456Asp. To our knowledge, this variant has not been reported in the literature or in a large population database (gnomAD), indicating this variant is rare. At this time, the clinical significance of this variant is uncertain due to the absence of conclusive functional and genetic evidence.

NM_017433.5(MYO3A):c.1366A>G (p.Asn456Asp)

Gene: MYO3A (myosin IIIA; plus strand). Cytogenetic location: 10p12.1.
Variant type: single nucleotide variant.
Coding change: c.1366A>G on transcript NM_017433.5 (MANE Select); coding-DNA position 1366, A replaced by G.
Protein change: p.Asn456Asp; replaces asparagine 456 with aspartic acid.
Molecular consequence: missense variant.
Genome position (GRCh38, 1-based): chr10:26,088,209, A>G. VCF-style: chr10-26088209-A-G. GRCh37 (hg19) VCF-style: chr10-26377138-A-G.
Other names: short protein forms N456D.
Identifiers: ClinVar variation 4989846 (VCV004989846.1).